The following is an entry in ClinVar:

NM_001044370.2(MPPED1):c.395A>G (p.Asn132Ser)

Gene: MPPED1 (metallophosphoesterase domain containing 1; plus strand). Cytogenetic location: 22q13.2.
Variant type: single nucleotide variant.
Coding change: c.395A>G on transcript NM_001044370.2 (MANE Select); coding-DNA position 395, A replaced by G.
Protein change: p.Asn132Ser; replaces asparagine 132 with serine.
Molecular consequence: missense variant.
Genome position (GRCh38, 1-based): chr22:43,435,204, A>G. VCF-style: chr22-43435204-A-G. GRCh37 (hg19) VCF-style: chr22-43831124-A-G.
Other names: c.395A>G, p.Asn132Ser (NM_001362786.2); short protein forms N132S.
Identifiers: ClinVar variation 3912767 (VCV003912767.1).

ClinVar aggregate classification (germline): Uncertain significance (1 of 4 stars; one submission).

gnomAD v4.1: 1 of 1,608,522 alleles (0.000062%); highest among the groups gnomAD compares: South Asian, 0.0011%; no homozygotes.

Submission:

Ambry Genetics
Classification: Uncertain significance. Last evaluated: 2025-04-20. Review status: criteria provided, single submitter. Criteria: Ambry Variant Classification Scheme 2023. Collection method: clinical testing. Allele origin: germline.
Comment: The c.395A>G (p.N132S) alteration is located in exon (coding exon ) of the MPPED1 gene. This alteration results from a A to G substitution at nucleotide position 395, causing the asparagine (N) at amino acid position 132 to be replaced by a serine (S). Based on insufficient or conflicting evidence, the clinical significance of this alteration remains unclear.